The following is an entry in ClinVar:

ClinVar aggregate classification (germline): Uncertain significance (1 of 4 stars; one submission).

gnomAD v4.1: 1 of 1,351,342 alleles (0.000074%); highest among the groups gnomAD compares: Non-Finnish European, 0.000094%; no homozygotes.

Submission:

CeGaT Center for Human Genetics Tuebingen
Classification: Uncertain significance. Last evaluated: 2026-02-01. Review status: criteria provided, single submitter. Criteria: CeGaT Center For Human Genetics Tuebingen Variant Classification Criteria Version 2. Collection method: clinical testing. Allele origin: germline. Affected: yes. Observed: 1 variant allele.
Comment: CDK13: PP2

NM_003718.5(CDK13):c.250G>C (p.Gly84Arg)

Genes: CDK13 (cyclin dependent kinase 13; plus strand), LOC129998292 (ATAC-STARR-seq lymphoblastoid silent region 18115; plus strand). Cytogenetic location: 7p14.1.
Variant type: single nucleotide variant.
Coding change: c.250G>C on transcript NM_003718.5 (MANE Select); coding-DNA position 250, G replaced by C.
Protein change: p.Gly84Arg; replaces glycine 84 with arginine.
Molecular consequence: missense variant.
Genome position (GRCh38, 1-based): chr7:39,950,891, G>C. VCF-style: chr7-39950891-G-C. GRCh37 (hg19) VCF-style: chr7-39990490-G-C.
Other names: c.250G>C, p.Gly84Arg (NM_031267.4); short protein forms G84R.
Identifiers: ClinVar variation 4822019 (VCV004822019.4).